The following is an entry in ClinVar:

NM_014634.4(PPM1F):c.1289C>T (p.Pro430Leu)

Gene: PPM1F (protein phosphatase, Mg2+/Mn2+ dependent 1F; minus strand). Cytogenetic location: 22q11.22.
Variant type: single nucleotide variant.
Coding change: c.1289C>T on transcript NM_014634.4 (MANE Select); coding-DNA position 1289, C replaced by T.
Protein change: p.Pro430Leu; replaces proline 430 with leucine.
Molecular consequence: missense variant.
Genome position (GRCh38, 1-based): chr22:21,923,168, G>A on the plus strand (C>T on the coding strand, the complement: PPM1F is on the minus strand). VCF-style: chr22-21923168-G-A. GRCh37 (hg19) VCF-style: chr22-22277541-G-A.
Other names: c.785C>T, p.Pro262Leu (NM_001410836.1); short protein forms P430L, P262L.
Identifiers: ClinVar variation 3423665 (VCV003423665.3).
Genomic context (GRCh38, chr22:21,923,168, plus strand): 5'-GCCTGGGTCTCAGGTTCTGGAAGGCTGGAGGGCAAGTCCTGCCTCCTCCCTTCTGCCTGG[G>A]GGTCCCCTTCTCCCTGGTTCCCGCCCTCCAGCAGCTCTTGGGGGTCCCTGAGGAAGACCA-3'
Protein context (NP_055449.1, residues 420-440): LEGGNQGEGD[Pro430Leu]QAEGRRQDLP

ClinVar aggregate classification (germline): Uncertain significance. Review status: criteria provided, multiple submitters, no conflicts (2 of 4 stars). 2 submissions from 2 submitters: Uncertain significance (2). Last evaluated 2025-10-04.

Submissions (2):

Labcorp Genetics (formerly Invitae), Labcorp
Classification: Uncertain significance. Last evaluated: 2025-10-04. Review status: criteria provided, single submitter. Criteria: Invitae Variant Classification Sherloc (09022015). Collection method: clinical testing. Allele origin: germline.
Comment: This sequence change replaces proline, which is neutral and non-polar, with leucine, which is neutral and non-polar, at codon 430 of the PPM1F protein (p.Pro430Leu). This variant is present in population databases (rs374898094, gnomAD 0.005%). This variant has not been reported in the literature in individuals affected with PPM1F-related conditions. ClinVar contains an entry for this variant (Variation ID: 3423665). An algorithm developed to predict the effect of missense changes on protein structure and function outputs the following: PolyPhen-2: "Benign". The leucine amino acid residue is found in multiple mammalian species, which suggests that this missense change does not adversely affect protein function. In summary, the available evidence is currently insufficient to determine the role of this variant in disease. Therefore, it has been classified as a Variant of Uncertain Significance.

Ambry Genetics
Classification: Uncertain significance. Last evaluated: 2024-10-26. Review status: criteria provided, single submitter. Criteria: Ambry Variant Classification Scheme 2023. Collection method: clinical testing. Allele origin: germline.